The following is an entry in ClinVar:

NM_001352027.3(PHF21A):c.1340C>A (p.Thr447Lys)

Gene: PHF21A (PHD finger protein 21A; minus strand). Cytogenetic location: 11p11.2.
Variant type: single nucleotide variant.
Coding change: c.1340C>A on transcript NM_001352027.3 (MANE Select); coding-DNA position 1340, C replaced by A.
Protein change: p.Thr447Lys; replaces threonine 447 with lysine.
Molecular consequence: missense variant. On other transcripts: non-coding transcript variant (1), intron variant (6).
Genome position (GRCh38, 1-based): chr11:45,945,952, G>T on the plus strand (C>A on the coding strand, the complement: PHF21A is on the minus strand). VCF-style: chr11-45945952-G-T. GRCh37 (hg19) VCF-style: chr11-45967503-G-T.
Other names: c.1337C>A, p.Thr446Lys (NM_001101802.3); c.1340C>A, p.Thr447Lys (NM_001352025.3, NM_001352026.3); c.1308+124C>A (NM_001352030.3, NM_001352031.3, NM_001352032.3); c.1311+124C>A (NM_016621.5, NM_001352028.1, NM_001352029.1); short protein forms T446K, T447K.
Identifiers: ClinVar variation 3629502 (VCV003629502.2).

ClinVar aggregate classification (germline): Uncertain significance (1 of 4 stars; one submission).

Submission:

Women's Health and Genetics/Laboratory Corporation of America, LabCorp
Classification: Uncertain significance. Last evaluated: 2024-11-27. Review status: criteria provided, single submitter. Criteria: LabCorp Variant Classification Summary - May 2015. Collection method: clinical testing. Allele origin: germline.
Comment: Variant summary: PHF21A c.1337C>A (p.Thr446Lys) results in a non-conservative amino acid change in the encoded protein sequence. Four of five in-silico tools predict a damaging effect of the variant on protein function. The variant was absent in 250568 control chromosomes (gnomAD). The available data on variant occurrences in the general population are insufficient to allow any conclusion about variant significance. To our knowledge, no occurrence of c.1337C>A in individuals affected with Intellectual Developmental Disorder With Behavioral Abnormalities And Craniofacial Dysmorphism With Or Without Seizures and no experimental evidence demonstrating its impact on protein function have been reported. No submitters have cited clinical-significance assessments for this variant to ClinVar. Based on the evidence outlined above, the variant was classified as uncertain significance.